The following is an entry in ClinVar:

ClinVar aggregate classification (germline): Likely benign. Review status: criteria provided, multiple submitters, no conflicts (2 of 4 stars). 2 submissions from 2 submitters: Likely benign (2). Last evaluated 2026-07-14.

Conditions:
DTHD1-related disorder. Also called: DTHD1-related condition.

gnomAD v4.1: 117 of 1,537,118 alleles (0.0076%); highest among the groups gnomAD compares: East Asian, 0.083%; no homozygotes.

Submissions (2):

PreventionGenetics, part of Exact Sciences
Classification: Likely benign for DTHD1-related condition. Last evaluated: 2026-07-14. Review status: criteria provided, single submitter. Criteria: ACMG Guidelines, 2015. Collection method: clinical testing. Allele origin: germline.
Comment: This variant is classified as likely benign based on ACMG/AMP sequence variant interpretation guidelines (Richards et al. 2015 PMID: 25741868, with internal and published modifications).

Blueprint Genetics
Classification: Likely benign. Last evaluated: 2024-10-03. Review status: criteria provided, single submitter. Criteria: ACMG Guidelines, 2015. Collection method: clinical testing. Allele origin: germline.

NM_001170700.3(DTHD1):c.645T>C (p.Asn215=)

Gene: DTHD1 (death domain containing 1; plus strand). Cytogenetic location: 4p14.
Variant type: single nucleotide variant.
Coding change: c.645T>C on transcript NM_001170700.3 (MANE Select); coding-DNA position 645, T replaced by C.
Protein change: p.Asn215=; no amino-acid change (asparagine 215 retained).
Molecular consequence: synonymous variant. On other transcripts: non-coding transcript variant (2), intron variant (2).
Genome position (GRCh38, 1-based): chr4:36,284,349, T>C. VCF-style: chr4-36284349-T-C. GRCh37 (hg19) VCF-style: chr4-36285971-T-C.
Other names: c.17+2320T>C (NM_001136536.5, NM_001378435.1); c.270T>C (NM_001170700.2).
Identifiers: ClinVar variation 4966813 (VCV004966813.2).